The following is an entry in ClinVar:

NM_005909.5(MAP1B):c.510+11G>A

Gene: MAP1B (microtubule associated protein 1B; plus strand). Cytogenetic location: 5q13.2.
Variant type: single nucleotide variant.
Coding change: c.510+11G>A on transcript NM_005909.5 (MANE Select); 11 bases into the intron after coding-DNA position 510, G replaced by A.
Molecular consequence: intron variant.
Genome position (GRCh38, 1-based): chr5:72,186,765, G>A. VCF-style: chr5-72186765-G-A. GRCh37 (hg19) VCF-style: chr5-71482592-G-A.
Other names: c.132+11G>A (NM_001324255.2).
Identifiers: ClinVar variation 5006922 (VCV005006922.2).
Genomic context (GRCh38, chr5:72,186,765, plus strand): 5'-CCGGCTCTTTCTCCTTCCAGAACTTCATAGAGATTTTCACCGATCAAGAGGTAGGTTCGT[G>A]TCTGAGAATATCTGTGCTTCTAGTGGCTTGGTTGCCTTAGGTTCCTCTTTGAGAGCACTG-3'

ClinVar aggregate classification (germline): Uncertain significance (1 of 4 stars; one submission).

Conditions:
Periventricular nodular heterotopia 9. Identifiers: MedGen C5394503, MONDO:0030061, OMIM 618918.
Hearing loss, autosomal dominant 83. Also called: Deafness, autosomal dominant 83. Identifiers: MedGen C5676951, MONDO:0030723, OMIM 619808.

Submission:

Juno Genomics, Hangzhou Juno Genomics, Inc
Classification: Uncertain significance for Hearing loss, autosomal dominant 83; Periventricular nodular heterotopia 9. Review status: criteria provided, single submitter. Criteria: ACMG Guidelines, 2015. Collection method: clinical testing. Allele origin: germline.
Comment: Absent from controls (or at extremely low frequency if recessive) in Genome Aggregation Database.;Multiple lines of computational evidence support a deleterious effect on the gene or gene product.